The following is an entry in ClinVar:

ClinVar aggregate classification (germline): Uncertain significance (1 of 4 stars; one submission).

Allele frequency attached by ClinVar (database versions not stated): gnomAD exomes 0.00001 and below 0.00001.
gnomAD v4.1: 8 of 1,614,038 alleles (0.0005%); highest among the groups gnomAD compares: East Asian, 0.0022%; no homozygotes.

Submission:

GeneDx
Classification: Uncertain significance. Last evaluated: 2019-05-29. Review status: criteria provided, single submitter. Criteria: GeneDx Variant Classification Process June 2021. Collection method: clinical testing. Allele origin: germline. Affected: yes.
Comment: In silico analysis, which includes protein predictors and evolutionary conservation, supports a deleterious effect; Has not been previously published as pathogenic or benign to our knowledge

NM_001206744.2(TPO):c.1996G>A (p.Asp666Asn)

Genes: LALTOP (lung cancer associated lncRNA targeting TOP2A; minus strand), TPO (thyroid peroxidase; plus strand). Cytogenetic location: 2p25.3.
Variant type: single nucleotide variant.
Coding change: c.1996G>A on transcript NM_001206744.2 (MANE Select); coding-DNA position 1996, G replaced by A.
Protein change: p.Asp666Asn; replaces aspartic acid 666 with asparagine.
Molecular consequence: missense variant.
Genome position (GRCh38, 1-based): chr2:1,494,029, G>A. VCF-style: chr2-1494029-G-A. GRCh37 (hg19) VCF-style: chr2-1497801-G-A.
Other names: c.1996G>A, p.Asp666Asn (NM_000547.6, NM_175721.3); c.1825G>A, p.Asp609Asn (NM_001206745.2, NM_175719.4); c.1477G>A, p.Asp493Asn (NM_175722.3); short protein forms D493N, D609N, D666N.
Identifiers: ClinVar variation 1306073 (VCV001306073.2), dbSNP rs1021279074, ClinGen allele CA41424579.